The following is an entry in ClinVar:

ClinVar aggregate classification (germline): Uncertain significance. Review status: criteria provided, multiple submitters, no conflicts (2 of 4 stars). 2 submissions from 2 submitters: Uncertain significance (2). Last evaluated 2025-05-16.

Conditions:
Inborn genetic diseases. Identifiers: MedGen C0950123, MeSH D030342.
Pitt-Hopkins-like syndrome 2 (PTHSL2). Identifiers: Orphanet 221150, Orphanet 600663, MedGen C3280479, MONDO:0013690, OMIM 614325.

Allele frequency attached by ClinVar (database versions not stated): gnomAD exomes below 0.00001 and 0.00001; ExAC 0.00001; gnomAD 0.00001; TOPMed 0.00001.
gnomAD v4.1: 10 of 1,613,872 alleles (0.00062%); highest among the groups gnomAD compares: Non-Finnish European, 0.00085%; no homozygotes.

Submissions (2):

Ambry Genetics
Classification: Uncertain significance for Inborn genetic diseases. Last evaluated: 2025-05-16. Review status: criteria provided, single submitter. Criteria: Ambry Variant Classification Scheme 2023. Collection method: clinical testing. Allele origin: germline.

Labcorp Genetics (formerly Invitae), Labcorp
Classification: Uncertain significance for Pitt-Hopkins-like syndrome 2. Last evaluated: 2024-05-20. Review status: criteria provided, single submitter. Criteria: Invitae Variant Classification Sherloc (09022015). Collection method: clinical testing. Allele origin: germline.
Comment: This sequence change replaces histidine, which is basic and polar, with leucine, which is neutral and non-polar, at codon 572 of the NRXN1 protein (p.His572Leu). This variant is present in population databases (rs201683458, gnomAD 0.0009%). This variant has not been reported in the literature in individuals affected with NRXN1-related conditions. ClinVar contains an entry for this variant (Variation ID: 1044835). An algorithm developed to predict the effect of missense changes on protein structure and function (PolyPhen-2) suggests that this variant is likely to be tolerated. In summary, the available evidence is currently insufficient to determine the role of this variant in disease. Therefore, it has been classified as a Variant of Uncertain Significance.

NM_001330078.2(NRXN1):c.1595A>T (p.His532Leu)

Gene: NRXN1 (neurexin 1; minus strand). Cytogenetic location: 2p16.3.
Variant type: single nucleotide variant.
Coding change: c.1595A>T on transcript NM_001330078.2 (MANE Select); coding-DNA position 1595, A replaced by T.
Protein change: p.His532Leu; replaces histidine 532 with leucine.
Molecular consequence: missense variant.
Genome position (GRCh38, 1-based): chr2:50,552,751, T>A on the plus strand (A>T on the coding strand, the complement: NRXN1 is on the minus strand). VCF-style: chr2-50552751-T-A. GRCh37 (hg19) VCF-style: chr2-50779889-T-A.
Other names: c.1715A>T, p.His572Leu (NM_001135659.3); c.1571A>T, p.His524Leu (NM_001330077.2, NM_001330082.2, NM_001330095.2); c.1556A>T, p.His519Leu (NM_001330083.2, NM_001330084.2); c.1595A>T, p.His532Leu (NM_001330085.2, NM_001330086.2, NM_004801.6); c.1511A>T, p.His504Leu (NM_001330087.2, NM_001330096.2); c.1541A>T, p.His514Leu (NM_001330088.2); c.1592A>T, p.His531Leu (NM_001330093.2); c.1583A>T, p.His528Leu (NM_001330094.2); and 1 more; short protein forms H519L, H504L, H514L, H532L, H572L, H524L, H528L, H531L.
Identifiers: ClinVar variation 1044835 (VCV001044835.9), dbSNP rs201683458, ClinGen allele CA1655016.